The following is an entry in ClinVar:

ClinVar aggregate classification (germline): Uncertain significance (1 of 4 stars; one submission).

Allele frequency attached by ClinVar (database versions not stated): gnomAD 0.00005; TOPMed 0.00005; ExAC 0.00009; gnomAD exomes 0.00010.
gnomAD v4.1: 160 of 1,608,360 alleles (0.0099%); highest among the groups gnomAD compares: South Asian, 0.023%; no homozygotes.

Submission:

Labcorp Genetics (formerly Invitae), Labcorp
Classification: Uncertain significance. Last evaluated: 2022-08-22. Review status: criteria provided, single submitter. Criteria: Invitae Variant Classification Sherloc (09022015). Collection method: clinical testing. Allele origin: germline.
Comment: This variant is present in population databases (rs770597327, gnomAD 0.04%). This sequence change affects codon 114 of the CTU2 mRNA. It is a 'silent' change, meaning that it does not change the encoded amino acid sequence of the CTU2 protein. It affects a nucleotide within the consensus splice site. This variant has not been reported in the literature in individuals affected with CTU2-related conditions. ClinVar contains an entry for this variant (Variation ID: 1518888). Algorithms developed to predict the effect of sequence changes on RNA splicing suggest that this variant is not likely to affect RNA splicing. In summary, the available evidence is currently insufficient to determine the role of this variant in disease. Therefore, it has been classified as a Variant of Uncertain Significance.

NM_001012759.3(CTU2):c.342C>T (p.Asp114=)

Gene: CTU2 (cytosolic thiouridylase subunit 2; plus strand). Cytogenetic location: 16q24.3.
Variant type: single nucleotide variant.
Coding change: c.342C>T on transcript NM_001012759.3 (MANE Select); coding-DNA position 342, C replaced by T.
Protein change: p.Asp114=; no amino-acid change (aspartic acid 114 retained).
Molecular consequence: synonymous variant.
Genome position (GRCh38, 1-based): chr16:88,711,694, C>T. VCF-style: chr16-88711694-C-T. GRCh37 (hg19) VCF-style: chr16-88778102-C-T.
Other names: c.342C>T, p.Asp114= (NM_001012762.3, NM_001318507.2); c.81C>T, p.Asp27= (NM_001318513.2).
Identifiers: ClinVar variation 1518888 (VCV001518888.6), dbSNP rs770597327, ClinGen allele CA8230198.
Genomic context (GRCh38, chr16:88,711,694, plus strand): 5'-GGGCCTGAGCCAAGATTCTGCCAAAAGACTGCGCTTTGTGGCAGGAGTCATCTTTGTTGA[C>T]GGTATGTGGGGCCATTGCTCCTCCTAGTCCCTGGCCACTTGGGGTAAGCCCTGCGGATCC-3'
Protein context (NP_001012777.1, residues 104-124): LRFVAGVIFV[Asp114=]EGAACGQSLE